The following is an entry in ClinVar:

NM_000492.4(CFTR):c.3717+2T>A

Genes: CFTR (CF transmembrane conductance regulator; plus strand), CFTR-AS2 (CFTR antisense RNA 2; minus strand). Cytogenetic location: 7q31.2.
Variant type: single nucleotide variant.
Coding change: c.3717+2T>A on transcript NM_000492.4 (MANE Select); the canonical splice donor site of the intron after coding-DNA position 3717, T replaced by A.
Molecular consequence: splice donor variant.
Genome position (GRCh38, 1-based): chr7:117,627,772, T>A. VCF-style: chr7-117627772-T-A. GRCh37 (hg19) VCF-style: chr7-117267826-T-A.
Identifiers: ClinVar variation 4532057 (VCV004532057.1).

ClinVar aggregate classification (germline): Pathogenic (1 of 4 stars; one submission).

Conditions:
Cystic fibrosis (CF). Also called: MUCOVISCIDOSIS. Identifiers: Orphanet 586, MedGen C0010674, MONDO:0009061, OMIM 219700. Disease mechanism: loss of function.

Submission:

Victorian Clinical Genetics Services, Murdoch Childrens Research Institute
Classification: Pathogenic for Cystic fibrosis. Last evaluated: 2025-03-07. Review status: criteria provided, single submitter. Criteria: ACMG Guidelines, 2015. Collection method: clinical testing. Allele origin: germline.
Comment: This variant is classified as Pathogenic. Evidence in support of pathogenic classification: Canonical splice site variant without proven consequence on splicing (no functional evidence available); Variant is absent from gnomAD (v2, v3 and v4); Other splice variant(s) comparable to the one identified in this case have very strong previous evidence for pathogenicity. Multiple splice variants (c.3717+4A>G, c.3717+5G>A, c.3717G>A; p.(Arg1239=)) have been classified as pathogenic for cystic fibrosis by the CFTR2 expert panel. c.3717+1G>A has been classified as likely pathogenic and pathogenic by multiple clinical laboratories (ClinVar); Abnormal splicing is predicted by in silico tool and affected nucleotide is highly conserved. Additional information: This variant is heterozygous; This gene is associated with autosomal recessive disease; This variant has no previous evidence of pathogenicity; No published segregation evidence has been identified for this variant; No published functional evidence has been identified for this variant; Loss of function is a known mechanism of disease in this gene and is associated with cystic fibrosis (MIM#219700).